The following is an entry in ClinVar:

ClinVar aggregate classification (germline): Uncertain significance (1 of 4 stars; one submission).

Conditions:
Focal segmental glomerulosclerosis 5 (FSGS5). Identifiers: Orphanet 656, MedGen C2750475, MONDO:0013191, OMIM 613237.
Charcot-Marie-Tooth disease dominant intermediate E. Also called: CHARCOT-MARIE-TOOTH NEUROPATHY WITH FOCAL SEGMENTAL GLOMERULONEPHRITIS. Identifiers: Orphanet 93114, MedGen C4302667, MONDO:0013758, OMIM 614455.

Submission:

Labcorp Genetics (formerly Invitae), Labcorp
Classification: Uncertain significance for Charcot-Marie-Tooth disease dominant intermediate E; Focal segmental glomerulosclerosis 5. Last evaluated: 2024-01-20. Review status: criteria provided, single submitter. Criteria: Invitae Variant Classification Sherloc (09022015). Collection method: clinical testing. Allele origin: germline.
Comment: This sequence change replaces threonine, which is neutral and polar, with arginine, which is basic and polar, at codon 1027 of the INF2 protein (p.Thr1027Arg). This variant is not present in population databases (gnomAD no frequency). This variant has not been reported in the literature in individuals affected with INF2-related conditions. Advanced modeling of protein sequence and biophysical properties (such as structural, functional, and spatial information, amino acid conservation, physicochemical variation, residue mobility, and thermodynamic stability) performed at Invitae indicates that this missense variant is not expected to disrupt INF2 protein function with a negative predictive value of 95%. In summary, the available evidence is currently insufficient to determine the role of this variant in disease. Therefore, it has been classified as a Variant of Uncertain Significance.

NM_022489.4(INF2):c.3080C>G (p.Thr1027Arg)

Gene: INF2 (inverted formin 2; plus strand). Cytogenetic location: 14q32.33.
Variant type: single nucleotide variant.
Coding change: c.3080C>G on transcript NM_022489.4 (MANE Select); coding-DNA position 3080, C replaced by G.
Protein change: p.Thr1027Arg; replaces threonine 1027 with arginine.
Molecular consequence: missense variant.
Genome position (GRCh38, 1-based): chr14:104,714,242, C>G. VCF-style: chr14-104714242-C-G. GRCh37 (hg19) VCF-style: chr14-105180579-C-G.
Other names: c.3080C>G, p.Thr1027Arg (NM_001031714.4, NM_001426862.1, NM_001426863.1 and 2 more transcripts); short protein forms T1027R.
Identifiers: ClinVar variation 2942827 (VCV002942827.3), dbSNP rs760488958, ClinGen allele CA267330520.